The following is an entry in ClinVar:

NM_001035.3(RYR2):c.10994A>G (p.His3665Arg)

Gene: RYR2 (ryanodine receptor 2; plus strand). Cytogenetic location: 1q43.
Variant type: single nucleotide variant.
Coding change: c.10994A>G on transcript NM_001035.3 (MANE Select); coding-DNA position 10994, A replaced by G.
Protein change: p.His3665Arg; replaces histidine 3665 with arginine.
Molecular consequence: missense variant.
Genome position (GRCh38, 1-based): chr1:237,732,104, A>G. VCF-style: chr1-237732104-A-G. GRCh37 (hg19) VCF-style: chr1-237895404-A-G.
Other names: short protein forms H3665R.
Identifiers: ClinVar variation 2820814 (VCV002820814.3), dbSNP rs2527070372, ClinGen allele CA345419030.

ClinVar aggregate classification (germline): Uncertain significance (1 of 4 stars; one submission).

Conditions:
Catecholaminergic polymorphic ventricular tachycardia 1. Also called: VENTRICULAR TACHYCARDIA, STRESS-INDUCED POLYMORPHIC 1; VENTRICULAR TACHYCARDIA, CATECHOLAMINERGIC POLYMORPHIC, 1, WITH OR WITHOUT ATRIAL DYSFUNCTION AND/OR DILATED CARDIOMYOPATHY; RYR2-Related Catecholaminergic Polymorphic Ventricular Tachycardia. Identifiers: Orphanet 3286, MedGen C1631597, MONDO:0011484, OMIM 604772.

Allele frequency attached by ClinVar (database versions not stated): gnomAD exomes below 0.00001.
gnomAD v4.1: 1 of 1,612,168 alleles (0.000062%); highest among the groups gnomAD compares: South Asian, 0.0011%; no homozygotes.

Submission:

Labcorp Genetics (formerly Invitae), Labcorp
Classification: Uncertain significance for Catecholaminergic polymorphic ventricular tachycardia 1. Last evaluated: 2025-05-01. Review status: criteria provided, single submitter. Criteria: Invitae Variant Classification Sherloc (09022015). Collection method: clinical testing. Allele origin: germline.
Comment: This sequence change replaces histidine, which is basic and polar, with arginine, which is basic and polar, at codon 3665 of the RYR2 protein (p.His3665Arg). This variant is not present in population databases (gnomAD no frequency). This variant has not been reported in the literature in individuals affected with RYR2-related conditions. ClinVar contains an entry for this variant (Variation ID: 2820814). Invitae Evidence Modeling of protein sequence and biophysical properties (such as structural, functional, and spatial information, amino acid conservation, physicochemical variation, residue mobility, and thermodynamic stability) has been performed for this missense variant. However, the output from this modeling did not meet the statistical confidence thresholds required to predict the impact of this variant on RYR2 protein function. In summary, the available evidence is currently insufficient to determine the role of this variant in disease. Therefore, it has been classified as a Variant of Uncertain Significance.